The following is an entry in ClinVar:

ClinVar aggregate classification (germline): Likely benign. Review status: criteria provided, multiple submitters, no conflicts (2 of 4 stars). 5 submissions from 5 submitters: Likely benign (5). Last evaluated 2026-09-04.

Conditions:
SBF1-related disorder. Also called: SBF1-related condition.

Allele frequency attached by ClinVar (database versions not stated): gnomAD exomes 0.00016 and 0.00023; TOPMed 0.00019; ExAC 0.00022; gnomAD 0.00023; ESP Exome Variant Server 0.00041.
gnomAD v4.1: 367 of 1,611,998 alleles (0.023%); highest among the groups gnomAD compares: Non-Finnish European, 0.028%; no homozygotes.

Submissions (5):

PreventionGenetics, part of Exact Sciences
Classification: Likely benign for SBF1-related condition. Last evaluated: 2026-09-04. Review status: criteria provided, single submitter. Criteria: ACMG Guidelines, 2015. Collection method: clinical testing. Allele origin: germline.
Comment: This variant is classified as likely benign based on ACMG/AMP sequence variant interpretation guidelines (Richards et al. 2015 PMID: 25741868, with internal and published modifications).

Labcorp Genetics (formerly Invitae), Labcorp
Classification: Likely benign. Last evaluated: 2025-11-01. Review status: criteria provided, single submitter. Criteria: Invitae Variant Classification Sherloc (09022015). Collection method: clinical testing. Allele origin: germline.

Women's Health and Genetics/Laboratory Corporation of America, LabCorp
Classification: Likely benign. Last evaluated: 2025-06-04. Review status: criteria provided, single submitter. Criteria: LabCorp Variant Classification Summary - May 2015. Collection method: clinical testing. Allele origin: germline.

CeGaT Center for Human Genetics Tuebingen
Classification: Likely benign. Last evaluated: 2022-04-01. Review status: criteria provided, single submitter. Criteria: CeGaT Center For Human Genetics Tuebingen Variant Classification Criteria Version 2. Collection method: clinical testing. Allele origin: germline. Affected: yes. Observed: 1 variant allele.
Comment: SBF1: BP4, BP7

GeneDx
Classification: Likely benign. Last evaluated: 2019-11-07. Review status: criteria provided, single submitter. Criteria: GeneDx Variant Classification Process June 2021. Collection method: clinical testing. Allele origin: germline. Affected: yes.

NM_002972.4(SBF1):c.5676C>T (p.Asp1892=)

Gene: SBF1 (SET binding factor 1; minus strand). Cytogenetic location: 22q13.33.
Variant type: single nucleotide variant.
Coding change: c.5676C>T on transcript NM_002972.4 (MANE Select); coding-DNA position 5676, C replaced by T.
Protein change: p.Asp1892=; no amino-acid change (aspartic acid 1892 retained).
Molecular consequence: synonymous variant.
Genome position (GRCh38, 1-based): chr22:50,447,148, G>A on the plus strand (C>T on the coding strand, the complement: SBF1 is on the minus strand). VCF-style: chr22-50447148-G-A. GRCh37 (hg19) VCF-style: chr22-50885577-G-A.
Other names: c.5601C>T, p.Asp1867= (NM_001365819.1).
Identifiers: ClinVar variation 728333 (VCV000728333.37), dbSNP rs372332373, ClinGen allele CA10315725.